The following is an entry in ClinVar:

NM_013275.6(ANKRD11):c.5335C>T (p.Pro1779Ser)

Gene: ANKRD11 (ankyrin repeat domain 11; minus strand). Cytogenetic location: 16q24.3.
Variant type: single nucleotide variant.
Coding change: c.5335C>T on transcript NM_013275.6 (MANE Select); coding-DNA position 5335, C replaced by T.
Protein change: p.Pro1779Ser; replaces proline 1779 with serine.
Molecular consequence: missense variant.
Genome position (GRCh38, 1-based): chr16:89,281,207, G>A on the plus strand (C>T on the coding strand, the complement: ANKRD11 is on the minus strand). VCF-style: chr16-89281207-G-A. GRCh37 (hg19) VCF-style: chr16-89347615-G-A.
Other names: c.5335C>T, p.Pro1779Ser (NM_001256182.2, NM_001256183.2); c.5335C>T (NM_013275.4); short protein forms P1779S.
Identifiers: ClinVar variation 2998014 (VCV002998014.5), dbSNP rs147706206, ClinGen allele CA8241873.

ClinVar aggregate classification (germline): Conflicting classifications of pathogenicity. Review status: criteria provided, conflicting classifications (1 of 4 stars). 3 submissions from 3 submitters: Uncertain significance (2); Likely benign (1). Last evaluated 2025-12-12.

Conditions:
Inborn genetic diseases. Identifiers: MedGen C0950123, MeSH D030342.
KBG syndrome (KBGS). Also called: ANKRD11-Related KBG Syndrome. Identifiers: Orphanet 2332, MedGen C0220687, MONDO:0007846, OMIM 148050.

Allele frequency attached by ClinVar (database versions not stated): gnomAD exomes below 0.00001; ExAC 0.00002; gnomAD 0.00009; ESP Exome Variant Server 0.00015.
gnomAD v4.1: 20 of 1,614,094 alleles (0.0012%); highest among the groups gnomAD compares: African/African-American, 0.025%; no homozygotes.

Submissions (3):

Women's Health and Genetics/Laboratory Corporation of America, LabCorp
Classification: Uncertain significance. Last evaluated: 2025-12-12. Review status: criteria provided, single submitter. Criteria: LabCorp Variant Classification Summary - May 2015. Collection method: clinical testing. Allele origin: germline.
Comment: Variant summary: ANKRD11 c.5335C>T (p.Pro1779Ser) results in a non-conservative amino acid change in the encoded protein sequence. Algorithms developed to predict the effect of missense changes on protein structure and function are either unavailable or do not agree on the potential impact of this missense change. The variant allele was found at a frequency of 1.2e-05 in 250474 control chromosomes. The available data on variant occurrences in the general population are insufficient to allow any conclusion about variant significance. To our knowledge, no occurrence of c.5335C>T in individuals affected with ANKRD11-related conditions and no experimental evidence demonstrating its impact on protein function have been reported. ClinVar contains an entry for this variant (Variation ID: 2998014). Based on the evidence outlined above, the variant was classified as uncertain significance.

Ambry Genetics
Classification: Likely benign for Inborn genetic diseases. Last evaluated: 2025-02-14. Review status: criteria provided, single submitter. Criteria: Ambry Variant Classification Scheme 2023. Collection method: clinical testing. Allele origin: germline.

Labcorp Genetics (formerly Invitae), Labcorp
Classification: Uncertain significance for KBG syndrome. Last evaluated: 2024-05-23. Review status: criteria provided, single submitter. Criteria: Invitae Variant Classification Sherloc (09022015). Collection method: clinical testing. Allele origin: germline.
Comment: This sequence change replaces proline, which is neutral and non-polar, with serine, which is neutral and polar, at codon 1779 of the ANKRD11 protein (p.Pro1779Ser). This variant is present in population databases (rs147706206, gnomAD 0.03%). This variant has not been reported in the literature in individuals affected with ANKRD11-related conditions. Advanced modeling of protein sequence and biophysical properties (such as structural, functional, and spatial information, amino acid conservation, physicochemical variation, residue mobility, and thermodynamic stability) performed at Invitae indicates that this missense variant is not expected to disrupt ANKRD11 protein function with a negative predictive value of 95%. In summary, the available evidence is currently insufficient to determine the role of this variant in disease. Therefore, it has been classified as a Variant of Uncertain Significance.